The following is an entry in ClinVar:

NM_015512.5(DNAH1):c.2715T>C (p.Asp905=)

Gene: DNAH1 (dynein axonemal heavy chain 1; plus strand). Cytogenetic location: 3p21.1.
Variant type: single nucleotide variant.
Coding change: c.2715T>C on transcript NM_015512.5 (MANE Select); coding-DNA position 2715, T replaced by C.
Protein change: p.Asp905=; no amino-acid change (aspartic acid 905 retained).
Molecular consequence: synonymous variant.
Genome position (GRCh38, 1-based): chr3:52,350,576, T>C. VCF-style: chr3-52350576-T-C. GRCh37 (hg19) VCF-style: chr3-52384592-T-C.
Identifiers: ClinVar variation 719194 (VCV000719194.24), dbSNP rs199890146, ClinGen allele CA2433345.

ClinVar aggregate classification (germline): Likely benign. Review status: criteria provided, multiple submitters, no conflicts (2 of 4 stars). 2 submissions from 2 submitters: Likely benign (2). Last evaluated 2025-12-20.

Conditions:
Spermatogenic failure 18. Identifiers: MedGen C4539783, MONDO:0054615, OMIM 617576.
Ciliary dyskinesia, primary, 37 (CILD37). Also called: CILIARY DYSKINESIA, PRIMARY, 37, WITH OR WITHOUT SITUS INVERSUS. Identifiers: MedGen C4539798, MONDO:0033204, OMIM 617577.

Allele frequency attached by ClinVar (database versions not stated): ExAC 0.00005; gnomAD 0.00006 and 0.00007; TOPMed 0.00007; ESP Exome Variant Server 0.00008; gnomAD exomes 0.00008; 1000 Genomes Project 0.00020; 1000 Genomes Project 30x 0.00047.
gnomAD v4.1: 118 of 1,613,758 alleles (0.0073%); highest among the groups gnomAD compares: Admixed American, 0.013%; no homozygotes.

Submissions (2):

Labcorp Genetics (formerly Invitae), Labcorp
Classification: Likely benign for Ciliary dyskinesia, primary, 37; Spermatogenic failure 18. Last evaluated: 2025-12-20. Review status: criteria provided, single submitter. Criteria: Invitae Variant Classification Sherloc (09022015). Collection method: clinical testing. Allele origin: germline.

CeGaT Center for Human Genetics Tuebingen
Classification: Likely benign. Last evaluated: 2024-11-01. Review status: criteria provided, single submitter. Criteria: CeGaT Center For Human Genetics Tuebingen Variant Classification Criteria Version 2. Collection method: clinical testing. Allele origin: germline. Affected: yes. Observed: 1 variant allele.
Comment: DNAH1: BP4, BP7